The following is an entry in ClinVar:

ClinVar aggregate classification (germline): Conflicting classifications of pathogenicity. Review status: criteria provided, conflicting classifications (1 of 4 stars). 2 submissions from 2 submitters: Uncertain significance (1); Likely benign (1). Last evaluated 2025-06-06.

Conditions:
Hereditary cancer-predisposing syndrome. Also called: Hereditary neoplastic syndrome; Tumor predisposition; Hereditary Cancer Syndrome; Neoplastic Syndromes, Hereditary. Identifiers: Orphanet 140162, MedGen C0027672, MeSH D009386, MONDO:0015356.
POLD1-related polyposis and colorectal cancer syndrome (CRCS10). Also called: Colorectal cancer, susceptibility to, 10; Colorectal cancer 10; COLORECTAL CANCER, SUSCEPTIBILITY TO, ON CHROMOSOME 19q. Identifiers: Orphanet 220460, MedGen C2675481, MONDO:0012953, OMIM 612591.

Allele frequency attached by ClinVar (database versions not stated): TOPMed below 0.00001; gnomAD 0.00001.
gnomAD v4.1: 1 of 1,613,020 alleles (0.000062%); highest among the groups gnomAD compares: Admixed American, 0.0017%; no homozygotes.

Submissions (2):

Ambry Genetics
Classification: Likely benign for Hereditary cancer-predisposing syndrome. Last evaluated: 2025-06-06. Review status: criteria provided, single submitter. Criteria: Ambry Variant Classification Scheme 2023. Collection method: clinical testing. Allele origin: germline.

Labcorp Genetics (formerly Invitae), Labcorp
Classification: Uncertain significance for POLD1-related polyposis and colorectal cancer syndrome. Last evaluated: 2025-01-23. Review status: criteria provided, single submitter. Criteria: Invitae Variant Classification Sherloc (09022015). Collection method: clinical testing. Allele origin: germline.
Comment: This sequence change replaces glutamine, which is neutral and polar, with histidine, which is basic and polar, at codon 865 of the POLD1 protein (p.Gln865His). This variant is not present in population databases (gnomAD no frequency). This variant has not been reported in the literature in individuals affected with POLD1-related conditions. ClinVar contains an entry for this variant (Variation ID: 647499). Invitae Evidence Modeling of protein sequence and biophysical properties (such as structural, functional, and spatial information, amino acid conservation, physicochemical variation, residue mobility, and thermodynamic stability) indicates that this missense variant is not expected to disrupt POLD1 protein function with a negative predictive value of 80%. In summary, the available evidence is currently insufficient to determine the role of this variant in disease. Therefore, it has been classified as a Variant of Uncertain Significance.

NM_002691.4(POLD1):c.2595G>T (p.Gln865His)

Gene: POLD1 (DNA polymerase delta 1, catalytic subunit; plus strand). Cytogenetic location: 19q13.33.
Variant type: single nucleotide variant.
Coding change: c.2595G>T on transcript NM_002691.4 (MANE Select); coding-DNA position 2595, G replaced by T.
Protein change: p.Gln865His; replaces glutamine 865 with histidine.
Molecular consequence: missense variant. On other transcripts: non-coding transcript variant (1).
Genome position (GRCh38, 1-based): chr19:50,415,468, G>T. VCF-style: chr19-50415468-G-T. GRCh37 (hg19) VCF-style: chr19-50918725-G-T.
Other names: c.2595G>T, p.Gln865His (NM_001256849.1); c.2673G>T, p.Gln891His (NM_001308632.1); c.2595G>T (NM_002691.2); short protein forms Q865H, Q891H.
Identifiers: ClinVar variation 647499 (VCV000647499.11), dbSNP rs1273286625, ClinGen allele CA406985366.